The following is an entry in ClinVar:

NM_004984.4(KIF5A):c.5C>T (p.Ala2Val)

Gene: KIF5A (kinesin family member 5A; plus strand). Cytogenetic location: 12q13.3.
Variant type: single nucleotide variant.
Coding change: c.5C>T on transcript NM_004984.4 (MANE Select); coding-DNA position 5, C replaced by T.
Protein change: p.Ala2Val; replaces alanine 2 with valine.
Molecular consequence: missense variant.
Genome position (GRCh38, 1-based): chr12:57,550,276, C>T. VCF-style: chr12-57550276-C-T. GRCh37 (hg19) VCF-style: chr12-57944059-C-T.
Other names: c.5C>T (NM_004984.2); c.5C>T, p.Ala2Val (NM_001354705.2); short protein forms A2V.
Identifiers: ClinVar variation 1521590 (VCV001521590.26), dbSNP rs780433858, ClinGen allele CA6652488.
Genomic context (GRCh38, chr12:57,550,276, plus strand): 5'-AGCACACACCACCCCTGCAGCCCAAGAAGAGTCCCAGCCCCACGCCGGCTACCACCATGG[C>T]GGAGACCAACAACGAATGTAGCATCAAGGTGCTCTGCCGATTCCGGCCCCTGAACCAGGC-3'
Protein context (NP_004975.2, residues 1-12): M[Ala2Val]ETNNECSIKV

ClinVar aggregate classification (germline): Uncertain significance. Review status: criteria provided, multiple submitters, no conflicts (2 of 4 stars). 4 submissions from 4 submitters: Uncertain significance (4). Last evaluated 2025-03-13.

Conditions:
Spastic paraplegia. Identifiers: MedGen C0037772, HP:0001258.
Inborn genetic diseases. Identifiers: MedGen C0950123, MeSH D030342.

Allele frequency attached by ClinVar (database versions not stated): gnomAD 0.00002.

Submissions (4):

Labcorp Genetics (formerly Invitae), Labcorp
Classification: Uncertain significance for Spastic paraplegia. Last evaluated: 2025-03-13. Review status: criteria provided, single submitter. Criteria: Invitae Variant Classification Sherloc (09022015). Collection method: clinical testing. Allele origin: germline.
Comment: This sequence change replaces alanine, which is neutral and non-polar, with valine, which is neutral and non-polar, at codon 2 of the KIF5A protein (p.Ala2Val). This variant is present in population databases (rs780433858, gnomAD 0.003%). This variant has not been reported in the literature in individuals affected with KIF5A-related conditions. ClinVar contains an entry for this variant (Variation ID: 1521590). Invitae Evidence Modeling of protein sequence and biophysical properties (such as structural, functional, and spatial information, amino acid conservation, physicochemical variation, residue mobility, and thermodynamic stability) has been performed for this missense variant. However, the output from this modeling did not meet the statistical confidence thresholds required to predict the impact of this variant on KIF5A protein function. In summary, the available evidence is currently insufficient to determine the role of this variant in disease. Therefore, it has been classified as a Variant of Uncertain Significance.

CeGaT Center for Human Genetics Tuebingen
Classification: Uncertain significance. Last evaluated: 2024-06-01. Review status: criteria provided, single submitter. Criteria: CeGaT Center For Human Genetics Tuebingen Variant Classification Criteria Version 2. Collection method: clinical testing. Allele origin: germline. Affected: yes. Observed: 1 variant allele.
Comment: KIF5A: PP2

Ambry Genetics
Classification: Uncertain significance for Inborn genetic diseases. Last evaluated: 2022-10-26. Review status: criteria provided, single submitter. Criteria: Ambry Variant Classification Scheme 2023. Collection method: clinical testing. Allele origin: germline.

Blueprint Genetics
Classification: Uncertain significance. Last evaluated: 2022-09-15. Review status: criteria provided, single submitter. Criteria: ACMG Guidelines, 2015. Collection method: clinical testing. Allele origin: germline.